The following is an entry in ClinVar:

NM_194248.3(OTOF):c.5520del (p.Asp1841fs)

Gene: OTOF (otoferlin; minus strand). Cytogenetic location: 2p23.3.
Variant type: Deletion.
Coding change: c.5520del on transcript NM_194248.3 (MANE Select); coding-DNA position 5520, one base deleted (T; older notation c.5520delT).
Protein change: p.Asp1841fs; shifts the reading frame from aspartic acid 1841.
Molecular consequence: frameshift variant.
Genome position (GRCh38, 1-based): chr2:26,461,709, A deleted on the plus strand (T on the coding strand, the reverse complement: OTOF is on the minus strand). VCF-style (leftmost placement, unchanged base first): chr2-26461708-CA-C. GRCh37 (hg19) VCF-style: chr2-26684576-CA-C.
Other names: c.5520del, p.Asp1841fs (NM_001287489.2); c.3219del, p.Asp1074fs (NM_004802.4, NM_194323.3); c.3450del, p.Asp1151fs (NM_194322.3); short protein forms D1074fs, D1151fs, D1841fs.
Identifiers: ClinVar variation 2891185 (VCV002891185.3), dbSNP rs767479112, ClinGen allele CA1562802.

ClinVar aggregate classification (germline): Pathogenic (1 of 4 stars; one submission).

Allele frequency attached by ClinVar (database versions not stated): gnomAD exomes 0.00001; TOPMed 0.00001; ExAC 0.00002; gnomAD 0.00003.

Submission:

Labcorp Genetics (formerly Invitae), Labcorp
Classification: Pathogenic. Last evaluated: 2024-02-07. Review status: criteria provided, single submitter. Criteria: Invitae Variant Classification Sherloc (09022015). Collection method: clinical testing. Allele origin: germline.
Comment: This sequence change creates a premature translational stop signal (p.Asp1841Thrfs*11) in the OTOF gene. It is expected to result in an absent or disrupted protein product. Loss-of-function variants in OTOF are known to be pathogenic (PMID: 18381613, 19250381, 22575033). This variant is present in population databases (rs767479112, gnomAD 0.004%). This variant has not been reported in the literature in individuals affected with OTOF-related conditions. For these reasons, this variant has been classified as Pathogenic.

Literature cited by the submitters: PubMed 18381613; PubMed 19250381; PubMed 22575033.